The following is an entry in ClinVar:

NM_007294.4(BRCA1):c.5575C>A (p.Pro1859Thr)

Gene: BRCA1 (BRCA1 DNA repair associated; minus strand). Cytogenetic location: 17q21.31.
Variant type: single nucleotide variant.
Coding change: c.5575C>A on transcript NM_007294.4 (MANE Select); coding-DNA position 5575, C replaced by A.
Protein change: p.Pro1859Thr; replaces proline 1859 with threonine.
Molecular consequence: missense variant. On other transcripts: 3 prime UTR variant (1), non-coding transcript variant (1).
Genome position (GRCh38, 1-based): chr17:43,045,695, G>T on the plus strand (C>A on the coding strand, the complement: BRCA1 is on the minus strand). VCF-style: chr17-43045695-G-T. GRCh37 (hg19) VCF-style: chr17-41197712-G-T.
Other names: c.5362C>A, p.Pro1788Thr (NM_001407571.1, NM_001407902.1, NM_001407904.1 and 12 more transcripts); c.5641C>A, p.Pro1881Thr (NM_001407581.1, NM_001407582.1); c.5638C>A, p.Pro1880Thr (NM_001407583.1, NM_001407585.1, NM_001407587.1 and 1 more transcripts); c.5572C>A, p.Pro1858Thr (NM_001407610.1, NM_001407611.1, NM_001407612.1 and 14 more transcripts); c.5569C>A, p.Pro1857Thr (NM_001407629.1, NM_001407630.1, NM_001407631.1 and 13 more transcripts); c.5515C>A, p.Pro1839Thr (NM_001407649.1); c.5497C>A, p.Pro1833Thr (NM_001407652.1, NM_001407653.1, NM_001407654.1 and 1 more transcripts); c.5494C>A, p.Pro1832Thr (NM_001407656.1, NM_001407657.1, NM_001407658.1); and 74 more; short protein forms P1859T, P1812T, P1880T, P755T, P1705T, P1730T, P1769T, P1790T.
Identifiers: ClinVar variation 462676 (VCV000462676.11), dbSNP rs1555574342, ClinGen allele CA10590177.

ClinVar aggregate classification (germline): Uncertain significance. Review status: criteria provided, multiple submitters, no conflicts (2 of 4 stars). 2 submissions from 2 submitters: Uncertain significance (2). Last evaluated 2026-02-13.

Conditions:
Hereditary cancer-predisposing syndrome. Also called: Neoplastic Syndromes, Hereditary; Tumor predisposition; Hereditary neoplastic syndrome; Hereditary Cancer Syndrome. Identifiers: Orphanet 140162, MedGen C0027672, MeSH D009386, MONDO:0015356.
Hereditary breast ovarian cancer syndrome. Also called: Breast and ovarian cancer; BRCA1- and BRCA2-Associated Hereditary Breast and Ovarian Cancer; Hereditary breast and ovarian cancer; Hereditary breast and/or ovarian cancer syndrome; Hereditary breast and ovarian cancer syndrome; Hereditary breast and ovarian cancer syndrome (HBOC). Identifiers: Orphanet 145, MedGen C0677776, MeSH D061325, MONDO:0003582. Disease mechanism: loss of function.

Allele frequency attached by ClinVar (database versions not stated): gnomAD exomes below 0.00001.
gnomAD v4.1: 2 of 1,613,650 alleles (0.00012%); highest among the groups gnomAD compares: Non-Finnish European, 0.00017%; no homozygotes.

Submissions (2):

Ambry Genetics
Classification: Uncertain significance for Hereditary cancer-predisposing syndrome. Last evaluated: 2026-02-13. Review status: criteria provided, single submitter. Criteria: Ambry Variant Classification Scheme 2023. Collection method: clinical testing. Allele origin: germline.
Comment: The p.P1859T variant (also known as c.5575C>A), located in coding exon 22 of the BRCA1 gene, results from a C to A substitution at nucleotide position 5575. The proline at codon 1859 is replaced by threonine, an amino acid with highly similar properties. This variant was functional in homology directed repair and cisplatin resistance protein functional assays (Adamovich AI et al. Am J Hum Genet, 2022 Apr;109:618-630). This amino acid position is not well conserved in available vertebrate species. In addition, the in silico prediction for this alteration is inconclusive. Based on the available evidence, the clinical significance of this variant remains unclear.

Labcorp Genetics (formerly Invitae), Labcorp
Classification: Uncertain significance for Hereditary breast ovarian cancer syndrome. Last evaluated: 2022-05-10. Review status: criteria provided, single submitter. Criteria: Invitae Variant Classification Sherloc (09022015). Collection method: clinical testing. Allele origin: germline.
Comment: This sequence change replaces proline, which is neutral and non-polar, with threonine, which is neutral and polar, at codon 1859 of the BRCA1 protein (p.Pro1859Thr). In summary, the available evidence is currently insufficient to determine the role of this variant in disease. Therefore, it has been classified as a Variant of Uncertain Significance. Advanced modeling of protein sequence and biophysical properties (such as structural, functional, and spatial information, amino acid conservation, physicochemical variation, residue mobility, and thermodynamic stability) performed at Invitae indicates that this missense variant is not expected to disrupt BRCA1 protein function. ClinVar contains an entry for this variant (Variation ID: 462676). This variant has not been reported in the literature in individuals affected with BRCA1-related conditions. This variant is not present in population databases (gnomAD no frequency).

Literature cited by the submitters: PubMed 35196514 (cited by Ambry Genetics).